The following is an entry in ClinVar:

NM_003151.4(STAT4):c.260G>A (p.Arg87Lys)

Gene: STAT4 (signal transducer and activator of transcription 4; minus strand). Cytogenetic location: 2q32.3.
Variant type: single nucleotide variant.
Coding change: c.260G>A on transcript NM_003151.4 (MANE Select); coding-DNA position 260, G replaced by A.
Protein change: p.Arg87Lys; replaces arginine 87 with lysine.
Molecular consequence: missense variant.
Genome position (GRCh38, 1-based): chr2:191,146,626, C>T on the plus strand (G>A on the coding strand, the complement: STAT4 is on the minus strand). VCF-style: chr2-191146626-C-T. GRCh37 (hg19) VCF-style: chr2-192011352-C-T.
Other names: c.260G>A, p.Arg87Lys (NM_001243835.2); c.260G>A (NM_003151.3); short protein forms R87K.
Identifiers: ClinVar variation 1447122 (VCV001447122.8), dbSNP rs202184860, ClinGen allele CA2030966.
Genomic context (GRCh38, chr2:191,146,626, plus strand): 5'-AAGACTCATATATCCAAATATTTTGGAAAAGTAGAATGCATTCTTACCTGAAGGACCTTC[C>T]TAATTCTTTTTAGATTGTGTATCAAGAGTAGGTTTTTCTCTTTGGAAACACGACCTAACT-3'
Protein context (NP_003142.1, residues 77-97): LLLIHNLKRI[Arg87Lys]KVLQGKFHGN

ClinVar aggregate classification (germline): Uncertain significance. Review status: criteria provided, multiple submitters, no conflicts (2 of 4 stars). 3 submissions from 3 submitters: Uncertain significance (3). Last evaluated 2025-07-21.

Allele frequency attached by ClinVar (database versions not stated): gnomAD 0.00001; gnomAD exomes 0.00001 and 0.00003; ExAC 0.00002; 1000 Genomes Project 30x 0.00016; 1000 Genomes Project 0.00020.
gnomAD v4.1: 15 of 1,552,470 alleles (0.00097%); highest among the groups gnomAD compares: Admixed American, 0.023%; no homozygotes.

Submissions (3):

Labcorp Genetics (formerly Invitae), Labcorp
Classification: Uncertain significance. Last evaluated: 2025-07-21. Review status: criteria provided, single submitter. Criteria: Invitae Variant Classification Sherloc (09022015). Collection method: clinical testing. Allele origin: germline.
Comment: This sequence change replaces arginine, which is basic and polar, with lysine, which is basic and polar, at codon 87 of the STAT4 protein (p.Arg87Lys). This variant is present in population databases (rs202184860, gnomAD 0.02%). This variant has not been reported in the literature in individuals affected with STAT4-related conditions. ClinVar contains an entry for this variant (Variation ID: 1447122). An algorithm developed to predict the effect of missense changes on protein structure and function (PolyPhen-2) suggests that this variant is likely to be tolerated. In summary, the available evidence is currently insufficient to determine the role of this variant in disease. Therefore, it has been classified as a Variant of Uncertain Significance.

Ambry Genetics
Classification: Uncertain significance. Last evaluated: 2024-01-23. Review status: criteria provided, single submitter. Criteria: Ambry Variant Classification Scheme 2023. Collection method: clinical testing. Allele origin: germline.

Breakthrough Genomics
Classification: Uncertain significance. Review status: criteria provided, single submitter. Criteria: ACMG Guidelines, 2015. Collection method: not provided. Allele origin: germline. Inheritance: Unknown mechanism. Affected: yes.